The following is an entry in ClinVar:

NM_001256789.3(CACNA1F):c.2520C>A (p.Phe840Leu)

Gene: CACNA1F (calcium voltage-gated channel subunit alpha1 F; minus strand). Cytogenetic location: Xp11.23.
Variant type: single nucleotide variant.
Coding change: c.2520C>A on transcript NM_001256789.3 (MANE Select); coding-DNA position 2520, C replaced by A.
Protein change: p.Phe840Leu; replaces phenylalanine 840 with leucine.
Molecular consequence: missense variant.
Genome position (GRCh38, 1-based): chrX:49,219,657, G>T on the plus strand (C>A on the coding strand, the complement: CACNA1F is on the minus strand). VCF-style: chrX-49219657-G-T. GRCh37 (hg19) VCF-style: chrX-49076116-G-T.
Other names: c.2358C>A, p.Phe786Leu (NM_001256790.3); c.2553C>A, p.Phe851Leu (NM_005183.4); short protein forms F851L, F840L, F786L.
Identifiers: ClinVar variation 2134159 (VCV002134159.4), dbSNP rs2065756066, ClinGen allele CA412965507.
Genomic context (GRCh38, chrX:49,219,657, plus strand): 5'-CCCTCCTGCCTCACCCCCTGCCACTTCCGGCACTCACGGGTTGGTTTGGCTGAGGCAGAA[G>T]AAGGCGCTGCCCTCAGGGATGGGTACCACCTTCTCCTTGGGTACAACTTCCTGCAGGAGT-3'
Protein context (NP_001243718.1, residues 830-850): KVVPIPEGSA[Phe840Leu]FCLSQTNPLR

ClinVar aggregate classification (germline): Uncertain significance (1 of 4 stars; one submission).

Allele frequency attached by ClinVar (database versions not stated): TOPMed below 0.00001; gnomAD 0.00001.

Submission:

Labcorp Genetics (formerly Invitae), Labcorp
Classification: Uncertain significance. Last evaluated: 2022-06-20. Review status: criteria provided, single submitter. Criteria: Invitae Variant Classification Sherloc (09022015). Collection method: clinical testing. Allele origin: germline.
Comment: In summary, the available evidence is currently insufficient to determine the role of this variant in disease. Therefore, it has been classified as a Variant of Uncertain Significance. Algorithms developed to predict the effect of missense changes on protein structure and function (SIFT, PolyPhen-2, Align-GVGD) all suggest that this variant is likely to be tolerated. This variant has not been reported in the literature in individuals affected with CACNA1F-related conditions. This variant is not present in population databases (gnomAD no frequency). This sequence change replaces phenylalanine, which is neutral and non-polar, with leucine, which is neutral and non-polar, at codon 851 of the CACNA1F protein (p.Phe851Leu).